The following is an entry in ClinVar:

ClinVar aggregate classification (germline): Likely benign (1 of 4 stars; one submission).

Conditions:
ACE-related disorder. Also called: ACE-related condition; ACE-related disorders.

gnomAD v4.1: 25 of 1,613,906 alleles (0.0015%); highest among the groups gnomAD compares: African/African-American, 0.015%; no homozygotes.

Submission:

PreventionGenetics, part of Exact Sciences
Classification: Likely benign for ACE-related condition. Last evaluated: 2026-02-22. Review status: criteria provided, single submitter. Criteria: ACMG Guidelines, 2015. Collection method: clinical testing. Allele origin: germline.
Comment: This variant is classified as likely benign based on ACMG/AMP sequence variant interpretation guidelines (Richards et al. 2015 PMID: 25741868, with internal and published modifications).

NM_000789.4(ACE):c.1056C>T (p.Ala352=)

Gene: ACE (angiotensin I converting enzyme; plus strand). Cytogenetic location: 17q23.3.
Variant type: single nucleotide variant.
Coding change: c.1056C>T on transcript NM_000789.4 (MANE Select); coding-DNA position 1056, C replaced by T.
Protein change: p.Ala352=; no amino-acid change (alanine 352 retained).
Molecular consequence: synonymous variant. On other transcripts: intron variant (1).
Genome position (GRCh38, 1-based): chr17:63,481,676, C>T. VCF-style: chr17-63481676-C-T. GRCh37 (hg19) VCF-style: chr17-61559037-C-T.
Other names: c.204C>T, p.Ala68= (NM_001382701.1); c.472+488C>T (NM_001382700.1).
Identifiers: ClinVar variation 4981925 (VCV004981925.1).